The following is an entry in ClinVar:

NM_001927.4(DES):c.402G>A (p.Ala134=)

Gene: DES (desmin; plus strand). Cytogenetic location: 2q35.
Variant type: single nucleotide variant.
Coding change: c.402G>A on transcript NM_001927.4 (MANE Select); coding-DNA position 402, G replaced by A.
Protein change: p.Ala134=; no amino-acid change (alanine 134 retained).
Molecular consequence: synonymous variant.
Genome position (GRCh38, 1-based): chr2:219,418,864, G>A. VCF-style: chr2-219418864-G-A. GRCh37 (hg19) VCF-style: chr2-220283586-G-A.
Other names: c.402G>A, p.Ala134= (NM_001382708.1, NM_001382709.1, NM_001382710.1 and 3 more transcripts); c.402G>A (NM_001927.3).
Identifiers: ClinVar variation 1651655 (VCV001651655.10), dbSNP rs369297392, ClinGen allele CA65981216.

ClinVar aggregate classification (germline): Likely benign. Review status: criteria provided, single submitter (1 of 4 stars). 2 submissions from 2 submitters: Likely benign (1). 1 of the submissions does not count toward it. Last evaluated 2025-11-06.

Conditions:
Desmin-related myofibrillar myopathy (MFM1). Also called: MYOFIBRILLAR MYOPATHY WITH ARRHYTHMOGENIC RIGHT VENTRICULAR CARDIOMYOPATHY; Desminopathy; DESMIN-RELATED MYOPATHY WITH ARRHYTHMOGENIC RIGHT VENTRICULAR CARDIOMYOPATHY; Myofibrillar myopathy 1; Desmin related myopathy (former name); Desmin storage myopathy (former name). Identifiers: Orphanet 363543, Orphanet 98909, MedGen C1832370, MONDO:0011076, OMIM 601419.
DES-related disorder. Also called: DES-related condition.

Allele frequency attached by ClinVar (database versions not stated): gnomAD exomes 0.00001; TOPMed 0.00001; ESP Exome Variant Server 0.00008.
gnomAD v4.1: 15 of 1,576,546 alleles (0.00095%); highest among the groups gnomAD compares: Admixed American, 0.0019%; no homozygotes.

Submissions (2):

Labcorp Genetics (formerly Invitae), Labcorp
Classification: Likely benign for Desmin-related myofibrillar myopathy. Last evaluated: 2025-11-06. Review status: criteria provided, single submitter. Criteria: Invitae Variant Classification Sherloc (09022015). Collection method: clinical testing. Allele origin: germline.

PreventionGenetics, part of Exact Sciences
Classification: Likely benign for DES-related condition. Last evaluated: 2020-04-20. Review status: no assertion criteria provided. Collection method: clinical testing. Allele origin: germline. Not counted in ClinVar's aggregate classification.
Comment: This variant is classified as likely benign based on ACMG/AMP sequence variant interpretation guidelines (Richards et al. 2015 PMID: 25741868, with internal and published modifications).